The following is an entry in ClinVar:

NM_000359.3(TGM1):c.1430_1431del (p.Val477fs)

Gene: TGM1 (transglutaminase 1; minus strand). Cytogenetic location: 14q12.
Variant type: Microsatellite.
Coding change: c.1430_1431del on transcript NM_000359.3 (MANE Select); coding-DNA positions 1430 to 1431, 2 bases deleted (TG; older notation c.1430_1431delTG).
Protein change: p.Val477fs; shifts the reading frame from valine 477.
Molecular consequence: frameshift variant.
Genome position (GRCh38, 1-based): chr14:24,256,049-24,256,050, CA deleted on the plus strand (TG on the coding strand, the reverse complement: TGM1 is on the minus strand); deleting any 2 consecutive bases within chr14:24,256,049-24,256,052 gives the same sequence; the c. name uses the placement nearest the transcript's 3' end. VCF-style (leftmost placement, unchanged base first): chr14-24256048-CCA-C. GRCh37 (hg19) VCF-style: chr14-24725254-CCA-C.
Other names: short protein forms V477fs.
Identifiers: ClinVar variation 2715113 (VCV002715113.3), dbSNP rs2502496349, ClinGen allele CA2697553835.

ClinVar aggregate classification (germline): Pathogenic (1 of 4 stars; one submission).

Submission:

Labcorp Genetics (formerly Invitae), Labcorp
Classification: Pathogenic. Last evaluated: 2023-06-14. Review status: criteria provided, single submitter. Criteria: Invitae Variant Classification Sherloc (09022015). Collection method: clinical testing. Allele origin: germline.
Comment: This sequence change creates a premature translational stop signal (p.Val477Glyfs*20) in the TGM1 gene. It is expected to result in an absent or disrupted protein product. Loss-of-function variants in TGM1 are known to be pathogenic (PMID: 18948357, 19241467). For these reasons, this variant has been classified as Pathogenic. This variant has not been reported in the literature in individuals affected with TGM1-related conditions. This variant is not present in population databases (gnomAD no frequency).

Literature cited by the submitters: PubMed 18948357; PubMed 19241467.